The following is an entry in ClinVar:

NM_015213.4(DENND5A):c.599C>T (p.Thr200Ile)

Gene: DENND5A (DENN domain containing 5A; minus strand). Cytogenetic location: 11p15.4.
Variant type: single nucleotide variant.
Coding change: c.599C>T on transcript NM_015213.4 (MANE Select); coding-DNA position 599, C replaced by T.
Protein change: p.Thr200Ile; replaces threonine 200 with isoleucine.
Molecular consequence: missense variant. On other transcripts: non-coding transcript variant (1).
Genome position (GRCh38, 1-based): chr11:9,204,010, G>A on the plus strand (C>T on the coding strand, the complement: DENND5A is on the minus strand). VCF-style: chr11-9204010-G-A. GRCh37 (hg19) VCF-style: chr11-9225557-G-A.
Other names: c.599C>T, p.Thr200Ile (NM_001243254.2, NM_001348748.1); c.527C>T, p.Thr176Ile (NM_001348749.2); c.311C>T, p.Thr104Ile (NM_001348750.2); short protein forms T104I, T176I, T200I.
Identifiers: ClinVar variation 2112018 (VCV002112018.4), dbSNP rs2493908467, ClinGen allele CA379599041.

ClinVar aggregate classification (germline): Uncertain significance (1 of 4 stars; one submission).

Submission:

Labcorp Genetics (formerly Invitae), Labcorp
Classification: Uncertain significance. Last evaluated: 2022-03-14. Review status: criteria provided, single submitter. Criteria: Invitae Variant Classification Sherloc (09022015). Collection method: clinical testing. Allele origin: germline.
Comment: This sequence change replaces threonine, which is neutral and polar, with isoleucine, which is neutral and non-polar, at codon 200 of the DENND5A protein (p.Thr200Ile). This variant is not present in population databases (gnomAD no frequency). This variant has not been reported in the literature in individuals affected with DENND5A-related conditions. In summary, the available evidence is currently insufficient to determine the role of this variant in disease. Therefore, it has been classified as a Variant of Uncertain Significance. Algorithms developed to predict the effect of missense changes on protein structure and function are either unavailable or do not agree on the potential impact of this missense change (SIFT: "Deleterious"; PolyPhen-2: "Possibly Damaging"; Align-GVGD: "Class C0").